The following is an entry in ClinVar:

ClinVar aggregate classification (germline): Uncertain significance (1 of 4 stars; one submission).

gnomAD v4.1: 7 of 1,612,194 alleles (0.00043%); highest among the groups gnomAD compares: Middle Eastern, 0.12%; no homozygotes.

Submission:

GeneDx
Classification: Uncertain significance. Last evaluated: 2024-12-28. Review status: criteria provided, single submitter. Criteria: GeneDx Variant Classification Process June 2021. Collection method: clinical testing. Allele origin: germline. Affected: yes.
Comment: Not observed at significant frequency in large population cohorts (gnomAD); In silico analysis supports that this missense variant has a deleterious effect on protein structure/function; Has not been previously published as pathogenic or benign to our knowledge

NM_001394062.1(MACF1):c.4274A>C (p.Lys1425Thr)

Gene: MACF1 (microtubule actin crosslinking factor 1; plus strand). Cytogenetic location: 1p34.3.
Variant type: single nucleotide variant.
Coding change: c.4274A>C on transcript NM_001394062.1 (MANE Select); coding-DNA position 4274, A replaced by C.
Protein change: p.Lys1425Thr; replaces lysine 1425 with threonine.
Molecular consequence: missense variant.
Genome position (GRCh38, 1-based): chr1:39,324,230, A>C. VCF-style: chr1-39324230-A-C. GRCh37 (hg19) VCF-style: chr1-39789902-A-C.
Other names: c.4289A>C, p.Lys1430Thr (NM_012090.5); short protein forms K1425T, K1430T.
Identifiers: ClinVar variation 3907811 (VCV003907811.1).